The following is an entry in ClinVar:

ClinVar aggregate classification (germline): Uncertain significance (1 of 4 stars; one submission).

Allele frequency attached by ClinVar (database versions not stated): gnomAD 0.00001; gnomAD exomes 0.00001.
gnomAD v4.1: 15 of 1,614,012 alleles (0.00093%); highest among the groups gnomAD compares: African/African-American, 0.0013%; no homozygotes.

Submission:

Labcorp Genetics (formerly Invitae), Labcorp
Classification: Uncertain significance. Last evaluated: 2023-08-17. Review status: criteria provided, single submitter. Criteria: Invitae Variant Classification Sherloc (09022015). Collection method: clinical testing. Allele origin: germline.
Comment: In summary, the available evidence is currently insufficient to determine the role of this variant in disease. Therefore, it has been classified as a Variant of Uncertain Significance. Experimental studies and prediction algorithms are not available or were not evaluated, and the effect of this variant on mRNA splicing is currently unknown. This variant has not been reported in the literature in individuals affected with HYOU1-related conditions. The frequency data for this variant in the population databases is considered unreliable, as metrics indicate poor data quality at this position in the gnomAD database. This sequence change affects codon 15 of the HYOU1 mRNA. It is a 'silent' change, meaning that it does not change the encoded amino acid sequence of the HYOU1 protein.

NM_006389.5(HYOU1):c.45T>C (p.Cys15=)

Gene: HYOU1 (hypoxia up-regulated 1; minus strand). Cytogenetic location: 11q23.3.
Variant type: single nucleotide variant.
Coding change: c.45T>C on transcript NM_006389.5 (MANE Select); coding-DNA position 45, T replaced by C.
Protein change: p.Cys15=; no amino-acid change (cysteine 15 retained).
Molecular consequence: synonymous variant.
Genome position (GRCh38, 1-based): chr11:119,056,116, A>G on the plus strand (T>C on the coding strand, the complement: HYOU1 is on the minus strand). VCF-style: chr11-119056116-A-G.
Other names: c.45T>C, p.Cys15= (NM_001130991.3, NM_001411041.1).
Identifiers: ClinVar variation 2874889 (VCV002874889.3), dbSNP rs782782756, ClinGen allele CA229649734.